The following is an entry in ClinVar:

ClinVar aggregate classification (germline): Conflicting classifications of pathogenicity. Review status: criteria provided, conflicting classifications (1 of 4 stars). 2 submissions from 2 submitters: Pathogenic (1); Uncertain significance (1). Last evaluated 2025-01-23.

Conditions:
Retinoblastoma (RB1). Also called: RETINOBLASTOMA, SOMATIC. Identifiers: Orphanet 790, MedGen C0035335, MeSH D012175, MONDO:0008380, OMIM 180200, HP:0009919. Disease mechanism: loss of function. Inheritance: Both sporadic and heritable forms are tested..

Submissions (2):

Labcorp Genetics (formerly Invitae), Labcorp
Classification: Uncertain significance for Retinoblastoma. Last evaluated: 2025-01-23. Review status: criteria provided, single submitter. Criteria: Invitae Variant Classification Sherloc (09022015). Collection method: clinical testing. Allele origin: germline.
Comment: This variant, c.1961_1963del, is a complex sequence change that results in the deletion of 2 and insertion of 1 amino acid(s) in the RB1 protein (p.Val654_Tyr655delinsAsp). This variant is not present in population databases (gnomAD no frequency). This variant has not been reported in the literature in individuals affected with RB1-related conditions. ClinVar contains an entry for this variant (Variation ID: 3237049). Experimental studies and prediction algorithms are not available or were not evaluated, and the functional significance of this variant is currently unknown. Algorithms developed to predict the effect of sequence changes on RNA splicing suggest that this variant may disrupt the consensus splice site. In summary, the available evidence is currently insufficient to determine the role of this variant in disease. Therefore, it has been classified as a Variant of Uncertain Significance.

Genetic Diagnostic Laboratory, University of Pennsylvania School of Medicine
Classification: Pathogenic for Retinoblastoma. Last evaluated: 2024-05-20. Review status: criteria provided, single submitter. Criteria: ACMG Guidelines, 2015. Collection method: clinical testing. Allele origin: germline. Affected: yes. Observed: 1 variant allele.
Comment: Case and Pedigree Information: BILATERAL CASES:1, UNILATERAL CASES:0, TOTAL CASES:1, PEDIGREES:1. ACMG Codes Applied:PVS1, PM2, PM4

NM_000321.3(RB1):c.1961_1963del (p.Val654_Tyr655delinsAsp)

Gene: RB1 (RB transcriptional corepressor 1; plus strand). Cytogenetic location: 13q14.2.
Variant type: Deletion.
Coding change: c.1961_1963del on transcript NM_000321.3 (MANE Select); coding-DNA positions 1961 to 1963, 3 bases deleted (TGT; older notation c.1961_1963delTGT).
Protein change: p.Val654_Tyr655delinsAsp.
Molecular consequence: inframe indel.
Genome position (GRCh38, 1-based): chr13:48,459,688-48,459,690, TGT deleted. VCF-style (leftmost placement, unchanged base first): chr13-48459687-GTGT-G. GRCh37 (hg19) VCF-style: chr13-49033823-GTGT-G.
Other names: c.1961_1963del, p.Val654_Tyr655delinsAsp (NM_001407165.1).
Identifiers: ClinVar variation 3237049 (VCV003237049.3), dbSNP rs2542367865.